The following is an entry in ClinVar:

ClinVar aggregate classification (germline): Uncertain significance (1 of 4 stars; one submission).

gnomAD v4.1: 6 of 1,613,914 alleles (0.00037%); highest among the groups gnomAD compares: Non-Finnish European, 0.00051%; no homozygotes.

Submission:

Labcorp Genetics (formerly Invitae), Labcorp
Classification: Uncertain significance. Last evaluated: 2022-12-25. Review status: criteria provided, single submitter. Criteria: Invitae Variant Classification Sherloc (09022015). Collection method: clinical testing. Allele origin: germline.
Comment: This variant is not present in population databases (gnomAD no frequency). This sequence change replaces valine, which is neutral and non-polar, with methionine, which is neutral and non-polar, at codon 397 of the IL12RB2 protein (p.Val397Met). This variant has not been reported in the literature in individuals affected with IL12RB2-related conditions. Algorithms developed to predict the effect of missense changes on protein structure and function are either unavailable or do not agree on the potential impact of this missense change (SIFT: "Deleterious"; PolyPhen-2: "Probably Damaging"; Align-GVGD: "Class C15"). In summary, the available evidence is currently insufficient to determine the role of this variant in disease. Therefore, it has been classified as a Variant of Uncertain Significance.

NM_001374259.2(IL12RB2):c.1189G>A (p.Val397Met)

Gene: IL12RB2 (interleukin 12 receptor subunit beta 2; plus strand). Cytogenetic location: 1p31.3.
Variant type: single nucleotide variant.
Coding change: c.1189G>A on transcript NM_001374259.2 (MANE Select); coding-DNA position 1189, G replaced by A.
Protein change: p.Val397Met; replaces valine 397 with methionine.
Molecular consequence: missense variant. On other transcripts: non-coding transcript variant (2).
Genome position (GRCh38, 1-based): chr1:67,351,020, G>A. VCF-style: chr1-67351020-G-A. GRCh37 (hg19) VCF-style: chr1-67816703-G-A.
Other names: c.1189G>A, p.Val397Met (NM_001258214.1, NM_001258215.1, NM_001258216.1 and 2 more transcripts); short protein forms V397M.
Identifiers: ClinVar variation 1967982 (VCV001967982.5), dbSNP rs373428243, ClinGen allele CA900426.